The following is an entry in ClinVar:

NM_012418.4(FSCN2):c.1106-25G>A

Gene: FSCN2 (fascin actin-bundling protein 2, retinal; plus strand). Cytogenetic location: 17q25.3.
Variant type: single nucleotide variant.
Coding change: c.1106-25G>A on transcript NM_012418.4 (MANE Select); 25 bases into the intron before coding-DNA position 1106, G replaced by A.
Molecular consequence: intron variant. On other transcripts: missense variant (1).
Genome position (GRCh38, 1-based): chr17:81,536,597, G>A. VCF-style: chr17-81536597-G-A. GRCh37 (hg19) VCF-style: chr17-79503623-G-A.
Other names: c.1153G>A, p.Ala385Thr (NM_001077182.3); short protein forms A385T.
Identifiers: ClinVar variation 1805367 (VCV001805367.7), dbSNP rs756587145, ClinGen allele CA8836997.

ClinVar aggregate classification (germline): Uncertain significance. Review status: criteria provided, multiple submitters, no conflicts (2 of 4 stars). 3 submissions from 3 submitters: Uncertain significance (3). Last evaluated 2025-08-02.

Conditions:
Retinitis pigmentosa 30 (RP30). Identifiers: Orphanet 791, MedGen C1842816, MONDO:0011935, OMIM 607921.

Allele frequency attached by ClinVar (database versions not stated): ExAC 0.00001; TOPMed 0.00002; gnomAD 0.00003; gnomAD exomes 0.00004.
gnomAD v4.1: 56 of 1,605,396 alleles (0.0035%); highest among the groups gnomAD compares: Non-Finnish European, 0.0045%; no homozygotes.

Submissions (3):

Ambry Genetics
Classification: Uncertain significance. Last evaluated: 2025-08-02. Review status: criteria provided, single submitter. Criteria: Ambry Variant Classification Scheme 2023. Collection method: clinical testing. Allele origin: germline.

Labcorp Genetics (formerly Invitae), Labcorp
Classification: Uncertain significance. Last evaluated: 2023-08-14. Review status: criteria provided, single submitter. Criteria: Invitae Variant Classification Sherloc (09022015). Collection method: clinical testing. Allele origin: germline.
Comment: An algorithm developed to predict the effect of missense changes on protein structure and function (PolyPhen-2) suggests that this variant is likely to be tolerated. This sequence change replaces alanine, which is neutral and non-polar, with threonine, which is neutral and polar, at codon 385 of the FSCN2 protein (p.Ala385Thr). The frequency data for this variant in the population databases is considered unreliable, as metrics indicate poor data quality at this position in the gnomAD database. This variant has not been reported in the literature in individuals affected with FSCN2-related conditions. ClinVar contains an entry for this variant (Variation ID: 1805367). In summary, the available evidence is currently insufficient to determine the role of this variant in disease. Therefore, it has been classified as a Variant of Uncertain Significance.

Victorian Clinical Genetics Services, Murdoch Childrens Research Institute
Classification: Uncertain significance for Retinitis pigmentosa 30. Last evaluated: 2020-05-25. Review status: criteria provided, single submitter. Criteria: ACMG Guidelines, 2015. Collection method: clinical testing. Allele origin: germline. Inheritance: Autosomal dominant inheritance. Affected: yes.
Comment: A heterozygous missense variant was identified, NM_001077182.2(FSCN2):c.1153G>A in exon 4 of 5 of the FSCN2 gene (NB: this variant is non-coding in an alternative transcript). This substitution is predicted to create a minor amino acid change from an alanine to a threonine at position 385 of the protein; NP_001070650.1(FSCN2):p.(Ala385Thr). The alanine at this position has low conservation (100 vertebrates, UCSC), and is not located in a particular domain (NCBI, PDB, UniProt). In silico software predicts this variant to be tolerated (Polyphen, SIFT, CADD, Mutation Taster). The variant is present in the gnomAD population database at a frequency of 0.0017% (4 heterozygotes, 0 homozygotes). An alternative residue change at the same location has been reported in the gnomAD database at a frequency of 0.0015%. This variant has not been previously reported in clinical cases. Based on information available at the time of curation, this variant has been classified as a VUS with LOW CLINICAL RELEVANCE. Legend: (P) - Pathogenic, (N) - Neutral, (B) - Benign